The following is an entry in ClinVar:

ClinVar aggregate classification (germline): Uncertain significance. Review status: criteria provided, multiple submitters, no conflicts (2 of 4 stars). 2 submissions from 2 submitters: Uncertain significance (2). Last evaluated 2025-11-03.

Conditions:
Inborn genetic diseases. Identifiers: MedGen C0950123, MeSH D030342.
Peroxisome biogenesis disorder 12A (Zellweger). Also called: Peroxisome biogenesis disorder 12A. Identifiers: Orphanet 912, MedGen C3554002, MONDO:0013951, OMIM 614886.

Allele frequency attached by ClinVar (database versions not stated): gnomAD exomes 0.00001.
gnomAD v4.1: 10 of 1,613,966 alleles (0.00062%); highest among the groups gnomAD compares: Non-Finnish European, 0.00059%; no homozygotes.

Submissions (2):

Ambry Genetics
Classification: Uncertain significance for Inborn genetic diseases. Last evaluated: 2025-11-03. Review status: criteria provided, single submitter. Criteria: Ambry Variant Classification Scheme 2023. Collection method: clinical testing. Allele origin: germline.

Labcorp Genetics (formerly Invitae), Labcorp
Classification: Uncertain significance for Peroxisome biogenesis disorder 12A (Zellweger). Last evaluated: 2022-03-26. Review status: criteria provided, single submitter. Criteria: Invitae Variant Classification Sherloc (09022015). Collection method: clinical testing. Allele origin: germline.
Comment: In summary, the available evidence is currently insufficient to determine the role of this variant in disease. Therefore, it has been classified as a Variant of Uncertain Significance. Algorithms developed to predict the effect of missense changes on protein structure and function are either unavailable or do not agree on the potential impact of this missense change (SIFT: "Tolerated"; PolyPhen-2: "Probably Damaging"; Align-GVGD: "Class C0"). This variant has not been reported in the literature in individuals affected with PEX19-related conditions. This variant is present in population databases (no rsID available, gnomAD 0.002%). This sequence change replaces glutamine, which is neutral and polar, with glutamic acid, which is acidic and polar, at codon 123 of the PEX19 protein (p.Gln123Glu).

NM_002857.4(PEX19):c.367C>G (p.Gln123Glu)

Gene: PEX19 (peroxisomal biogenesis factor 19; minus strand). Cytogenetic location: 1q23.2.
Variant type: single nucleotide variant.
Coding change: c.367C>G on transcript NM_002857.4 (MANE Select); coding-DNA position 367, C replaced by G.
Protein change: p.Gln123Glu; replaces glutamine 123 with glutamic acid.
Molecular consequence: missense variant. On other transcripts: non-coding transcript variant (1).
Genome position (GRCh38, 1-based): chr1:160,282,482, G>C on the plus strand (C>G on the coding strand, the complement: PEX19 is on the minus strand). VCF-style: chr1-160282482-G-C. GRCh37 (hg19) VCF-style: chr1-160252272-G-C.
Other names: c.367C>G, p.Gln123Glu (NM_001193644.1); c.367C>G (NM_002857.3); short protein forms Q123E.
Identifiers: ClinVar variation 1363735 (VCV001363735.9), dbSNP rs1334997035, ClinGen allele CA343261863.